The following is an entry in ClinVar:

NM_021072.4(HCN1):c.1170C>T (p.Val390=)

Gene: HCN1 (hyperpolarization activated cyclic nucleotide gated potassium channel 1; minus strand). Cytogenetic location: 5p12.
Variant type: single nucleotide variant.
Coding change: c.1170C>T on transcript NM_021072.4 (MANE Select); coding-DNA position 1170, C replaced by T.
Protein change: p.Val390=; no amino-acid change (valine 390 retained).
Molecular consequence: synonymous variant.
Genome position (GRCh38, 1-based): chr5:45,396,552, G>A on the plus strand (C>T on the coding strand, the complement: HCN1 is on the minus strand). VCF-style: chr5-45396552-G-A. GRCh37 (hg19) VCF-style: chr5-45396654-G-A.
Identifiers: ClinVar variation 412774 (VCV000412774.15), dbSNP rs369683016, ClinGen allele CA3259354.

ClinVar aggregate classification (germline): Likely benign. Review status: criteria provided, multiple submitters, no conflicts (2 of 4 stars). 3 submissions from 3 submitters: Likely benign (2). 1 of the submissions does not count toward it. Last evaluated 2025-12-01.

Conditions:
HCN1-related disorder. Also called: HCN1-related disorders; HCN1-related condition.
Early-infantile DEE. Also called: Ohtahara syndrome; Early infantile epileptic encephalopathy with suppression bursts; Early infantile epileptic encephalopathy. Identifiers: Orphanet 1934, MedGen C0393706, MONDO:0800491.

Allele frequency attached by ClinVar (database versions not stated): ExAC 0.00003; gnomAD exomes 0.00004; gnomAD 0.00007; TOPMed 0.00007; ESP Exome Variant Server 0.00015.
gnomAD v4.1: 71 of 1,613,656 alleles (0.0044%); highest among the groups gnomAD compares: Middle Eastern, 0.033%; no homozygotes.

Submissions (3):

Labcorp Genetics (formerly Invitae), Labcorp
Classification: Likely benign for Early-infantile DEE. Last evaluated: 2025-12-01. Review status: criteria provided, single submitter. Criteria: Invitae Variant Classification Sherloc (09022015). Collection method: clinical testing. Allele origin: germline.

Blueprint Genetics
Classification: Likely benign. Last evaluated: 2024-09-23. Review status: criteria provided, single submitter. Criteria: ACMG Guidelines, 2015. Collection method: clinical testing. Allele origin: germline.

PreventionGenetics, part of Exact Sciences
Classification: Likely benign for HCN1-related condition. Last evaluated: 2019-06-10. Review status: no assertion criteria provided. Collection method: clinical testing. Allele origin: germline. Not counted in ClinVar's aggregate classification.
Comment: This variant is classified as likely benign based on ACMG/AMP sequence variant interpretation guidelines (Richards et al. 2015 PMID: 25741868, with internal and published modifications).